The following is an entry in ClinVar:

NM_198525.3(KIF7):c.1735G>A (p.Val579Met)

Gene: KIF7 (kinesin family member 7; minus strand). Cytogenetic location: 15q26.1.
Variant type: single nucleotide variant.
Coding change: c.1735G>A on transcript NM_198525.3 (MANE Select); coding-DNA position 1735, G replaced by A.
Protein change: p.Val579Met; replaces valine 579 with methionine.
Molecular consequence: missense variant.
Genome position (GRCh38, 1-based): chr15:89,646,883, C>T on the plus strand (G>A on the coding strand, the complement: KIF7 is on the minus strand). VCF-style: chr15-89646883-C-T. GRCh37 (hg19) VCF-style: chr15-90190114-C-T.
Other names: short protein forms V579M.
Identifiers: ClinVar variation 1390464 (VCV001390464.5), dbSNP rs531366745, ClinGen allele CA7728475.
Genomic context (GRCh38, chr15:89,646,883, plus strand): 5'-TTCTCACCTCTCCCCTCTGCTCAGAGCCAACTTCATCTCCAGGGAGGCAGGCAGGCGGCA[C>T]CATGCCCAGCACATGGGCGTGGGCACCCCCCAGGGGGGCTGTATGAGGTCGAGGCACAAA-3'
Protein context (NP_940927.2, residues 569-589): GGAHAHVLGM[Val579Met]PPACLPGDEV

ClinVar aggregate classification (germline): Uncertain significance (1 of 4 stars; one submission).

Conditions:
Acrocallosal syndrome (ACLS). Also called: HALLUX DUPLICATION, POSTAXIAL POLYDACTYLY, AND ABSENCE OF CORPUS CALLOSUM; Schinzel syndrome 1; Absence of corpus callosum with unusual facial appearance, mental deficiency, duplication of the halluces and polydactyly. Identifiers: Orphanet 36, MedGen C0796147, MONDO:0008708, OMIM 200990.

gnomAD v4.1: 4 of 1,614,102 alleles (0.00025%); highest among the groups gnomAD compares: Admixed American, 0.005%; no homozygotes.

Submission:

Labcorp Genetics (formerly Invitae), Labcorp
Classification: Uncertain significance for Acrocallosal syndrome. Last evaluated: 2021-08-30. Review status: criteria provided, single submitter. Criteria: Invitae Variant Classification Sherloc (09022015). Collection method: clinical testing. Allele origin: germline.
Comment: This sequence change replaces valine with methionine at codon 579 of the KIF7 protein (p.Val579Met). The valine residue is weakly conserved and there is a small physicochemical difference between valine and methionine. This variant is present in population databases (rs531366745, ExAC 0.009%). This variant has not been reported in the literature in individuals affected with KIF7-related conditions. Algorithms developed to predict the effect of missense changes on protein structure and function output the following: SIFT: "Tolerated"; PolyPhen-2: "Benign"; Align-GVGD: "Class C0". The methionine amino acid residue is found in multiple mammalian species, which suggests that this missense change does not adversely affect protein function. In summary, the available evidence is currently insufficient to determine the role of this variant in disease. Therefore, it has been classified as a Variant of Uncertain Significance.